The following is an entry in ClinVar:

ClinVar aggregate classification (germline): Uncertain significance (1 of 4 stars; one submission).

Conditions:
Hereditary cancer-predisposing syndrome. Also called: Hereditary Cancer Syndrome; Hereditary neoplastic syndrome; Neoplastic Syndromes, Hereditary; Tumor predisposition. Identifiers: Orphanet 140162, MedGen C0027672, MeSH D009386, MONDO:0015356.

Submission:

Ambry Genetics
Classification: Uncertain significance for Hereditary cancer-predisposing syndrome. Last evaluated: 2022-09-17. Review status: criteria provided, single submitter. Criteria: Ambry Variant Classification Scheme 2023. Collection method: clinical testing. Allele origin: germline.
Comment: The p.T205P variant (also known as c.613A>C), located in coding exon 3 of the PHOX2B gene, results from an A to C substitution at nucleotide position 613. The threonine at codon 205 is replaced by proline, an amino acid with highly similar properties. This amino acid position is conserved. In addition, this alteration is predicted to be tolerated by in silico analysis. Since supporting evidence is limited at this time, the clinical significance of this alteration remains unclear.

NM_003924.4(PHOX2B):c.613A>C (p.Thr205Pro)

Gene: PHOX2B (paired like homeobox 2B; minus strand). Cytogenetic location: 4p13.
Variant type: single nucleotide variant.
Coding change: c.613A>C on transcript NM_003924.4 (MANE Select); coding-DNA position 613, A replaced by C.
Protein change: p.Thr205Pro; replaces threonine 205 with proline.
Molecular consequence: missense variant.
Genome position (GRCh38, 1-based): chr4:41,746,139, T>G on the plus strand (A>C on the coding strand, the complement: PHOX2B is on the minus strand). VCF-style: chr4-41746139-T-G. GRCh37 (hg19) VCF-style: chr4-41748156-T-G.
Other names: short protein forms T205P.
Identifiers: ClinVar variation 1751816 (VCV001751816.2), dbSNP rs1577559244, ClinGen allele CA356737731.
Genomic context (GRCh38, chr4:41,746,139, plus strand): 5'-CCGGAGCTCCAGCCGGGCTGGGCCCGCCGCCGCCGCCTCCATTCGCCCCGCAGCTGGGGG[T>G]GGGGTTGGGATTGGGACCTGGGCCCCCAGTGCTGTCCGGGTCAGTGCTCTTGGCCTCTTT-3'
Protein context (NP_003915.2, residues 195-215): TGGPGPNPNP[Thr205Pro]PSCGANGGGG